The following is an entry in ClinVar:

NM_005883.3(APC2):c.2241G>A (p.Pro747=)

Gene: APC2 (APC regulator of Wnt signaling pathway 2; plus strand). Cytogenetic location: 19p13.3.
Variant type: single nucleotide variant.
Coding change: c.2241G>A on transcript NM_005883.3 (MANE Select); coding-DNA position 2241, G replaced by A.
Protein change: p.Pro747=; no amino-acid change (proline 747 retained).
Molecular consequence: synonymous variant.
Genome position (GRCh38, 1-based): chr19:1,465,542, G>A. VCF-style: chr19-1465542-G-A. GRCh37 (hg19) VCF-style: chr19-1465541-G-A.
Other names: c.2238G>A, p.Pro746= (NM_001351273.1).
Identifiers: ClinVar variation 5041234 (VCV005041234.1).
Genomic context (GRCh38, chr19:1,465,542, plus strand): 5'-GGCCGAGCTGGACGCACGGCACCTCGCGCAGGCGCTGGAGCACCTGGAGAAGCAGGGCCC[G>A]CCGGCAGCCGAGGCCGCCACTAAGAAGCCGCTGCCGCCCCTGCGACACCTGGACGGCCTG-3'
Protein context (NP_005874.1, residues 737-757): QALEHLEKQG[Pro747=]PAAEAATKKP

ClinVar aggregate classification (germline): Likely benign (1 of 4 stars; one submission).

gnomAD v4.1: 8 of 1,532,314 alleles (0.00052%); highest among the groups gnomAD compares: Middle Eastern, 0.017%; no homozygotes.

Submission:

CeGaT Center for Human Genetics Tuebingen
Classification: Likely benign. Last evaluated: 2026-09-01. Review status: criteria provided, single submitter. Criteria: CeGaT Center For Human Genetics Tuebingen Variant Classification Criteria Version 2. Collection method: clinical testing. Allele origin: germline. Affected: yes. Observed: 1 variant allele.
Comment: APC2: BP4, BP7